The following is an entry in ClinVar:

NM_000051.4(ATM):c.2059_2065del (p.Lys687fs)

Gene: ATM (ATM serine/threonine kinase; plus strand). Cytogenetic location: 11q22.3.
Variant type: Deletion.
Coding change: c.2059_2065del on transcript NM_000051.4 (MANE Select); coding-DNA positions 2059 to 2065, 7 bases deleted (AAGGAAT; older notation c.2059_2065delAAGGAAT).
Protein change: p.Lys687fs; shifts the reading frame from lysine 687.
Molecular consequence: frameshift variant.
Genome position (GRCh38, 1-based): chr11:108,253,974-108,253,980, AAGGAAT deleted. VCF-style (leftmost placement, unchanged base first): chr11-108253973-CAAGGAAT-C. GRCh37 (hg19) VCF-style: chr11-108124700-CAAGGAAT-C.
Other names: c.2059_2065del, p.Lys687fs (NM_001351834.2); short protein forms K687fs.
Identifiers: ClinVar variation 2708629 (VCV002708629.3), dbSNP rs2497316583, ClinGen allele CA2697548961.
Genomic context (GRCh38, chr11:108,253,973, plus strand): 5'-GAGAGAATGTGGTATAGAAAAGCACCAGTCCAGTATTGGCTTCTCTGTCCACCAGAATCT[CAAGGAAT>C]CACTGGATCGCTGTCTTCTGGGATTATCAGAACAGCTTCTGAATAATTACTCATCTGAGG-3'

ClinVar aggregate classification (germline): Pathogenic (1 of 4 stars; one submission).

Conditions:
Ataxia-telangiectasia syndrome (AT). Also called: ATAXIA-TELANGIECTASIA, COMPLEMENTATION GROUP A; ATAXIA-TELANGIECTASIA, FRESNO VARIANT; Ataxia-telangiectasia, complementation group D; LOUIS-BAR SYNDROME; AT, COMPLEMENTATION GROUP C; Ataxia-telangiectasia. Identifiers: Orphanet 100, MedGen C0004135, MONDO:0008840, OMIM 208900.

Submission:

Labcorp Genetics (formerly Invitae), Labcorp
Classification: Pathogenic for Ataxia-telangiectasia syndrome. Last evaluated: 2024-01-15. Review status: criteria provided, single submitter. Criteria: Invitae Variant Classification Sherloc (09022015). Collection method: clinical testing. Allele origin: germline.
Comment: This sequence change creates a premature translational stop signal (p.Lys687Hisfs*14) in the ATM gene. It is expected to result in an absent or disrupted protein product. Loss-of-function variants in ATM are known to be pathogenic (PMID: 23807571, 25614872). This variant is not present in population databases (gnomAD no frequency). This variant has not been reported in the literature in individuals affected with ATM-related conditions. For these reasons, this variant has been classified as Pathogenic.

Literature cited by the submitters: PubMed 23807571; PubMed 25614872.